The following is an entry in ClinVar:

ClinVar aggregate classification (germline): Uncertain significance (1 of 4 stars; one submission).

Conditions:
Hereditary cancer-predisposing syndrome. Also called: Neoplastic Syndromes, Hereditary; Tumor predisposition; Hereditary Cancer Syndrome; Hereditary neoplastic syndrome. Identifiers: Orphanet 140162, MedGen C0027672, MeSH D009386, MONDO:0015356.

Submission:

Ambry Genetics
Classification: Uncertain significance for Hereditary cancer-predisposing syndrome. Last evaluated: 2022-06-13. Review status: criteria provided, single submitter. Criteria: Ambry Variant Classification Scheme 2023. Collection method: clinical testing. Allele origin: germline.
Comment: The p.S614T variant (also known as c.1840T>A), located in coding exon 4 of the MSH6 gene, results from a T to A substitution at nucleotide position 1840. The serine at codon 614 is replaced by threonine, an amino acid with similar properties. This amino acid position is conserved. In addition, this alteration is predicted to be tolerated by in silico analysis. Since supporting evidence is limited at this time, the clinical significance of this alteration remains unclear.

NM_000179.3(MSH6):c.1840T>A (p.Ser614Thr)

Gene: MSH6 (mutS homolog 6; plus strand). Cytogenetic location: 2p16.3.
Variant type: single nucleotide variant.
Coding change: c.1840T>A on transcript NM_000179.3 (MANE Select); coding-DNA position 1840, T replaced by A.
Protein change: p.Ser614Thr; replaces serine 614 with threonine.
Molecular consequence: missense variant.
Genome position (GRCh38, 1-based): chr2:47,799,823, T>A. VCF-style: chr2-47799823-T-A. GRCh37 (hg19) VCF-style: chr2-48026962-T-A.
Other names: c.1450T>A, p.Ser484Thr (NM_001281492.2); c.934T>A, p.Ser312Thr (NM_001281493.2, NM_001281494.2, NM_001406811.1 and 6 more transcripts); c.1936T>A, p.Ser646Thr (NM_001406795.1, NM_001406802.1); c.1840T>A, p.Ser614Thr (NM_001406796.1, NM_001406798.1, NM_001406800.1 and 3 more transcripts); c.1543T>A, p.Ser515Thr (NM_001406797.1, NM_001406801.1, NM_001406805.1 and 10 more transcripts); c.1315T>A, p.Ser439Thr (NM_001406799.1, NM_001406806.1, NM_001406807.1); c.1762T>A, p.Ser588Thr (NM_001406804.1); c.1846T>A, p.Ser616Thr (NM_001406813.1); and 1 more; short protein forms S515T, S646T, S312T, S439T, S484T, S558T, S588T, S614T.
Identifiers: ClinVar variation 1781155 (VCV001781155.2), dbSNP rs2530633493, ClinGen allele CA346749605.
Genomic context (GRCh38, chr2:47,799,823, plus strand): 5'-GTTTTATTTGAAAAAGGAAATCTCTCAAAGGAAACTAAAACAATTCTAAAGAGTTCATTG[T>A]CCTGTTCTCTTCAGGAAGGTCTGATACCCGGCTCCCAGTTTTGGGATGCATCCAAAACTT-3'
Protein context (NP_000170.1, residues 604-624): ETKTILKSSL[Ser614Thr]CSLQEGLIPG